The following is an entry in ClinVar:

ClinVar aggregate classification (germline): Pathogenic. Review status: reviewed by expert panel (3 of 4 stars). 3 submissions from 3 submitters: Pathogenic (1). 2 of the submissions do not count toward it. Last evaluated 2016-10-18.

Conditions:
Breast-ovarian cancer, familial, susceptibility to, 1 (BROVCA1). Also called: BRCA1 Hereditary Breast and Ovarian Cancer; OVARIAN CANCER, SUSCEPTIBILITY TO. Identifiers: Orphanet 145, MedGen C2676676, MONDO:0011450, OMIM 604370. Disease mechanism: loss of function.
Hereditary cancer-predisposing syndrome. Also called: Hereditary Cancer Syndrome; Neoplastic Syndromes, Hereditary; Hereditary neoplastic syndrome; Tumor predisposition. Identifiers: Orphanet 140162, MedGen C0027672, MeSH D009386, MONDO:0015356.

gnomAD v4.1: 1 of 1,614,198 alleles (0.000062%); highest among the groups gnomAD compares: Non-Finnish European, 0.000085%; no homozygotes.

Submissions (3):

Evidence-based Network for the Interpretation of Germline Mutant Alleles (ENIGMA)
Classification: Pathogenic for Breast-ovarian cancer, familial, susceptibility to, 1. Last evaluated: 2016-10-18. Review status: reviewed by expert panel. Criteria: ENIGMA BRCA1/2 Classification Criteria (2015). Collection method: curation. Allele origin: germline.
Comment: Variant allele predicted to encode a truncated non-functional protein.

Ambry Genetics
Classification: Pathogenic for Hereditary cancer-predisposing syndrome. Last evaluated: 2019-12-18. Review status: criteria provided, single submitter. Criteria: Ambry Variant Classification Scheme 2023. Collection method: clinical testing. Allele origin: germline. Not counted in ClinVar's aggregate classification.
Comment: The p.C1270* pathogenic mutation (also known as c.3810C>A), located in coding exon 9 of the BRCA1 gene, results from a C to A substitution at nucleotide position 3810. This changes the amino acid from a cysteine to a stop codon within coding exon 9. This alteration was identified in a large, worldwide study of BRCA1/2 mutation positive families (Rebbeck TR et al. Hum. Mutat., 2018 05;39:593-620). In addition to the clinical data presented in the literature, this alteration is expected to result in loss of function by premature protein truncation or nonsense-mediated mRNA decay. As such, this alteration is interpreted as a disease-causing mutation.

Consortium of Investigators of Modifiers of BRCA1/2 (CIMBA), c/o University of Cambridge
Classification: Pathogenic for Breast-ovarian cancer, familial, susceptibility to, 1. Last evaluated: 2015-10-02. Review status: criteria provided, single submitter. Criteria: CIMBA Mutation Classification guidelines May 2016. Collection method: clinical testing. Allele origin: germline. Not counted in ClinVar's aggregate classification.

Literature cited by the submitters: PubMed 29446198 (cited by Ambry Genetics).

NM_007294.4(BRCA1):c.3810C>A (p.Cys1270Ter)

Genes: BRCA1 (BRCA1 DNA repair associated; minus strand), LOC126862571 (BRD4-independent group 4 enhancer GRCh37_chr17:41243136-41244335; plus strand). Cytogenetic location: 17q21.31.
Variant type: single nucleotide variant.
Coding change: c.3810C>A on transcript NM_007294.4 (MANE Select); coding-DNA position 3810, C replaced by A.
Protein change: p.Cys1270Ter; replaces cysteine 1270 with a stop codon.
Molecular consequence: nonsense. On other transcripts: intron variant (135).
Genome position (GRCh38, 1-based): chr17:43,091,721, G>T on the plus strand (C>A on the coding strand, the complement: BRCA1 is on the minus strand). VCF-style: chr17-43091721-G-T. GRCh37 (hg19) VCF-style: chr17-41243738-G-T.
Other names: 3929C>A; c.3600C>A, p.Cys1200Ter (NM_001407889.1, NM_001407900.1, NM_001407902.1 and 13 more transcripts); c.3597C>A, p.Cys1199Ter (NM_001407894.1, NM_001407895.1, NM_001407896.1 and 9 more transcripts); c.3687C>A, p.Cys1229Ter (NM_001407919.1, NM_001407937.1, NM_001407938.1 and 19 more transcripts); c.3546C>A, p.Cys1182Ter (NM_001407920.1, NM_001407921.1, NM_001407922.1 and 9 more transcripts); c.3543C>A, p.Cys1181Ter (NM_001407930.1, NM_001407931.1, NM_001407932.1 and 2 more transcripts); c.3684C>A, p.Cys1228Ter (NM_001407940.1, NM_001407941.1, NM_001407649.1 and 11 more transcripts); c.3669C>A, p.Cys1223Ter (NM_001407942.1, NM_001407944.1, NM_001407945.1 and 29 more transcripts); and 42 more; short protein forms C1270*, C1223*, C1142*, C1159*, C1200*, C1228*, C1102*, C1143*.
Identifiers: ClinVar variation 266406 (VCV000266406.8), dbSNP rs886040166, ClinGen allele CA10589723.